The following is an entry in ClinVar:

NM_182925.5(FLT4):c.2758C>G (p.Gln920Glu)

Gene: FLT4 (fms related receptor tyrosine kinase 4; minus strand). Cytogenetic location: 5q35.3.
Variant type: single nucleotide variant.
Coding change: c.2758C>G on transcript NM_182925.5 (MANE Select); coding-DNA position 2758, C replaced by G.
Protein change: p.Gln920Glu; replaces glutamine 920 with glutamic acid.
Molecular consequence: missense variant.
Genome position (GRCh38, 1-based): chr5:180,619,256, G>C on the plus strand (C>G on the coding strand, the complement: FLT4 is on the minus strand). VCF-style: chr5-180619256-G-C. GRCh37 (hg19) VCF-style: chr5-180046256-G-C.
Other names: c.2758C>G, p.Gln920Glu (NM_001354989.2, NM_002020.5); short protein forms Q920E.
Identifiers: ClinVar variation 2412885 (VCV002412885.2), dbSNP rs1197856662, ClinGen allele CA362501413.
Genomic context (GRCh38, chr5:180,619,256, plus strand): 5'-GCCCGCGGCGCCCCGCGCCCGGGGTCTCGCCGTCCCAGCGGGCCGCCCGCTCCGTACCCT[G>C]CGGCTTGGTGCACGCCCCGAGGAGGTTGACCACGTTGAGGTGGTTGCCGATGTGAATGAG-3'
Protein context (NP_891555.2, residues 910-930): VNLLGACTKP[Gln920Glu]GPLMVIVEFC

ClinVar aggregate classification (germline): Uncertain significance (1 of 4 stars; one submission).

Allele frequency attached by ClinVar (database versions not stated): TOPMed below 0.00001.

Submission:

GeneDx
Classification: Uncertain significance. Last evaluated: 2022-07-27. Review status: criteria provided, single submitter. Criteria: GeneDx Variant Classification Process June 2021. Collection method: clinical testing. Allele origin: germline. Affected: yes.
Comment: Not observed at significant frequency in large population cohorts (gnomAD); In silico analysis supports that this missense variant does not alter protein structure/function; Has not been previously published as pathogenic or benign to our knowledge; This variant is associated with the following publications: (PMID: 11114740, 10835628)